The following is an entry in ClinVar:

ClinVar aggregate classification (germline): Uncertain significance (1 of 4 stars; one submission).

Conditions:
Neuroblastoma, susceptibility to, 3. Also called: ALK-Related Neuroblastic Tumor Susceptibility. Identifiers: Orphanet 635, MedGen C2751681, MONDO:0013083, OMIM 613014.

Submission:

Labcorp Genetics (formerly Invitae), Labcorp
Classification: Uncertain significance for Neuroblastoma, susceptibility to, 3. Last evaluated: 2024-03-02. Review status: criteria provided, single submitter. Criteria: Invitae Variant Classification Sherloc (09022015). Collection method: clinical testing. Allele origin: germline.
Comment: This variant, c.1323_1325del, results in the deletion of 1 amino acid(s) of the ALK protein (p.Thr442del), but otherwise preserves the integrity of the reading frame. This variant is not present in population databases (gnomAD no frequency). This variant has not been reported in the literature in individuals affected with ALK-related conditions. Experimental studies and prediction algorithms are not available or were not evaluated, and the functional significance of this variant is currently unknown. In summary, the available evidence is currently insufficient to determine the role of this variant in disease. Therefore, it has been classified as a Variant of Uncertain Significance.

NM_004304.5(ALK):c.1323_1325del (p.Thr442del)

Gene: ALK (ALK receptor tyrosine kinase; minus strand). Cytogenetic location: 2p23.2.
Variant type: Deletion.
Coding change: c.1323_1325del on transcript NM_004304.5 (MANE Select); coding-DNA positions 1323 to 1325, 3 bases deleted (CAC; older notation c.1323_1325delCAC).
Protein change: p.Thr442del; deletes threonine 442.
Molecular consequence: inframe deletion.
Genome position (GRCh38, 1-based): chr2:29,328,439-29,328,441, GTG deleted on the plus strand (CAC on the coding strand, the reverse complement: ALK is on the minus strand). VCF-style (leftmost placement, unchanged base first): chr2-29328438-AGTG-A. GRCh37 (hg19) VCF-style: chr2-29551304-AGTG-A.
Other names: short protein forms T442del.
Identifiers: ClinVar variation 2847496 (VCV002847496.3), dbSNP rs2465459622, ClinGen allele CA2739274308.